The following is an entry in ClinVar:

NM_000399.5(EGR2):c.832G>A (p.Ala278Thr)

Gene: EGR2 (early growth response 2; minus strand). Cytogenetic location: 10q21.3.
Variant type: single nucleotide variant.
Coding change: c.832G>A on transcript NM_000399.5 (MANE Select); coding-DNA position 832, G replaced by A.
Protein change: p.Ala278Thr; replaces alanine 278 with threonine.
Molecular consequence: missense variant.
Genome position (GRCh38, 1-based): chr10:62,813,806, C>T on the plus strand (G>A on the coding strand, the complement: EGR2 is on the minus strand). VCF-style: chr10-62813806-C-T. GRCh37 (hg19) VCF-style: chr10-64573566-C-T.
Other names: c.832G>A, p.Ala278Thr (NM_001136177.3, NM_001136178.2); c.682G>A, p.Ala228Thr (NM_001136179.3, NM_001321037.2); short protein forms A278T, A228T.
Identifiers: ClinVar variation 452606 (VCV000452606.58), dbSNP rs565355765, ClinGen allele CA5517216.

ClinVar aggregate classification (germline): Conflicting classifications of pathogenicity. Review status: criteria provided, conflicting classifications (1 of 4 stars). 4 submissions from 4 submitters: Uncertain significance (2); Likely benign (2). Last evaluated 2024-10-15.

Conditions:
Charcot-Marie-Tooth disease, type I (CMT1). Also called: Charcot-Marie-Tooth disease type 1; Charcot-Marie-Tooth, Type 1. Identifiers: Orphanet 65753, MedGen C0751036, MONDO:0019011.

Allele frequency attached by ClinVar (database versions not stated): gnomAD exomes 0.00005 and 0.00013; ExAC 0.00013; TOPMed 0.00002; gnomAD 0.00004 and 0.00005.

Submissions (4):

Labcorp Genetics (formerly Invitae), Labcorp
Classification: Uncertain significance for Charcot-Marie-Tooth disease, type I. Last evaluated: 2024-10-15. Review status: criteria provided, single submitter. Criteria: Invitae Variant Classification Sherloc (09022015). Collection method: clinical testing. Allele origin: germline.
Comment: This sequence change replaces alanine, which is neutral and non-polar, with threonine, which is neutral and polar, at codon 278 of the EGR2 protein (p.Ala278Thr). This variant is present in population databases (rs565355765, gnomAD 0.08%). This variant has not been reported in the literature in individuals affected with EGR2-related conditions. ClinVar contains an entry for this variant (Variation ID: 452606). Invitae Evidence Modeling of protein sequence and biophysical properties (such as structural, functional, and spatial information, amino acid conservation, physicochemical variation, residue mobility, and thermodynamic stability) indicates that this missense variant is not expected to disrupt EGR2 protein function with a negative predictive value of 80%. In summary, the available evidence is currently insufficient to determine the role of this variant in disease. Therefore, it has been classified as a Variant of Uncertain Significance.

Blueprint Genetics
Classification: Likely benign. Last evaluated: 2023-12-28. Review status: criteria provided, single submitter. Criteria: ACMG Guidelines, 2015. Collection method: clinical testing. Allele origin: germline.

GeneDx
Classification: Uncertain significance. Last evaluated: 2022-09-13. Review status: criteria provided, single submitter. Criteria: GeneDx Variant Classification Process June 2021. Collection method: clinical testing. Allele origin: germline. Affected: yes.
Comment: In silico analysis supports that this missense variant does not alter protein structure/function; Has not been previously published as pathogenic or benign to our knowledge

CeGaT Center for Human Genetics Tuebingen
Classification: Likely benign. Last evaluated: 2018-05-01. Review status: criteria provided, single submitter. Criteria: CeGaT Center For Human Genetics Tuebingen Variant Classification Criteria Version 2. Collection method: clinical testing. Allele origin: germline. Affected: yes. Observed: 1 variant allele.